The following is an entry in ClinVar:

ClinVar aggregate classification (germline): Uncertain significance (1 of 4 stars; one submission).

Conditions:
Hypertrophic cardiomyopathy. Also called: HYPERTROPHIC MYOCARDIOPATHY. Identifiers: Orphanet 217569, MedGen C0007194, MeSH D002312, MONDO:0005045, HP:0001639.

Submission:

Labcorp Genetics (formerly Invitae), Labcorp
Classification: Uncertain significance for Hypertrophic cardiomyopathy. Last evaluated: 2025-10-19. Review status: criteria provided, single submitter. Criteria: Invitae Variant Classification Sherloc (09022015). Collection method: clinical testing. Allele origin: germline.
Comment: This sequence change replaces asparagine, which is neutral and polar, with lysine, which is basic and polar, at codon 850 of the MYBPC3 protein (p.Asn850Lys). This variant is not present in population databases (gnomAD no frequency). This missense change has been observed in individual(s) with hypertrophic cardiomyopathy (PMID: 30297972, 33782553). ClinVar contains an entry for this variant (Variation ID: 2972680). An algorithm developed to predict the effect of missense changes on protein structure and function (PolyPhen-2) suggests that this variant is likely to be disruptive. In summary, the available evidence is currently insufficient to determine the role of this variant in disease. Therefore, it has been classified as a Variant of Uncertain Significance.

Literature cited by the submitters: PubMed 30297972; PubMed 33782553.

NM_000256.3(MYBPC3):c.2550C>G (p.Asn850Lys)

Gene: MYBPC3 (myosin binding protein C3; minus strand). Cytogenetic location: 11p11.2.
Variant type: single nucleotide variant.
Coding change: c.2550C>G on transcript NM_000256.3 (MANE Select); coding-DNA position 2550, C replaced by G.
Protein change: p.Asn850Lys; replaces asparagine 850 with lysine.
Molecular consequence: missense variant.
Genome position (GRCh38, 1-based): chr11:47,337,443, G>C on the plus strand (C>G on the coding strand, the complement: MYBPC3 is on the minus strand). VCF-style: chr11-47337443-G-C. GRCh37 (hg19) VCF-style: chr11-47358994-G-C.
Other names: short protein forms N850K.
Identifiers: ClinVar variation 2972680 (VCV002972680.3), dbSNP rs1387090431, ClinGen allele CA380318148.